The following is an entry in ClinVar:

NM_014363.6(SACS):c.13316A>G (p.Lys4439Arg)

Gene: SACS (sacsin molecular chaperone; minus strand). Cytogenetic location: 13q12.12.
Variant type: single nucleotide variant.
Coding change: c.13316A>G on transcript NM_014363.6 (MANE Select); coding-DNA position 13316, A replaced by G.
Protein change: p.Lys4439Arg; replaces lysine 4439 with arginine.
Molecular consequence: missense variant.
Genome position (GRCh38, 1-based): chr13:23,330,560, T>C on the plus strand (A>G on the coding strand, the complement: SACS is on the minus strand). VCF-style: chr13-23330560-T-C. GRCh37 (hg19) VCF-style: chr13-23904699-T-C.
Other names: c.13316A>G (NM_014363.4); c.12875A>G, p.Lys4292Arg (NM_001278055.2); short protein forms K4292R, K4439R.
Identifiers: ClinVar variation 2057002 (VCV002057002.6), dbSNP rs765556647, ClinGen allele CA6909982.

ClinVar aggregate classification (germline): Conflicting classifications of pathogenicity. Review status: criteria provided, conflicting classifications (1 of 4 stars). 3 submissions from 3 submitters: Uncertain significance (2); Benign (1). Last evaluated 2026-01-09.

Conditions:
Spastic paraplegia. Identifiers: MedGen C0037772, HP:0001258.
Inborn genetic diseases. Identifiers: MedGen C0950123, MeSH D030342.

Allele frequency attached by ClinVar (database versions not stated): gnomAD exomes below 0.00001; ExAC 0.00002; gnomAD 0.00005; TOPMed 0.00006.
gnomAD v4.1: 14 of 1,613,958 alleles (0.00087%); highest among the groups gnomAD compares: African/African-American, 0.011%; no homozygotes.

Submissions (3):

Labcorp Genetics (formerly Invitae), Labcorp
Classification: Benign for Spastic paraplegia. Last evaluated: 2026-01-09. Review status: criteria provided, single submitter. Criteria: Invitae Variant Classification Sherloc (09022015). Collection method: clinical testing. Allele origin: germline.

Ambry Genetics
Classification: Uncertain significance for Inborn genetic diseases. Last evaluated: 2025-08-21. Review status: criteria provided, single submitter. Criteria: Ambry Variant Classification Scheme 2023. Collection method: clinical testing. Allele origin: germline.

Athena Diagnostics
Classification: Uncertain significance. Last evaluated: 2023-05-02. Review status: criteria provided, single submitter. Criteria: Athena Diagnostics Criteria. Collection method: clinical testing. Allele origin: unknown.
Comment: Available data are insufficient to determine the clinical significance of the variant at this time. The frequency of this variant in the general population is uninformative in assessment of its pathogenicity. Computational tools predict that this variant is not damaging.